The following is an entry in ClinVar:

NM_001385875.1(ZFYVE27):c.1091G>A (p.Arg364Gln)

Gene: ZFYVE27 (zinc finger FYVE-type containing 27; plus strand). Cytogenetic location: 10q24.2.
Variant type: single nucleotide variant.
Coding change: c.1091G>A on transcript NM_001385875.1 (MANE Select); coding-DNA position 1091, G replaced by A.
Protein change: p.Arg364Gln; replaces arginine 364 with glutamine.
Molecular consequence: missense variant. On other transcripts: non-coding transcript variant (17).
Genome position (GRCh38, 1-based): chr10:97,757,643, G>A. VCF-style: chr10-97757643-G-A. GRCh37 (hg19) VCF-style: chr10-99517400-G-A.
Other names: c.716G>A, p.Arg239Gln (NM_001174122.2); c.1106G>A, p.Arg369Gln (NM_001385871.1, NM_001002261.4); c.1124G>A, p.Arg375Gln (NM_001385876.1); c.1088G>A, p.Arg363Gln (NM_001385877.1); c.1085G>A, p.Arg362Gln (NM_001385878.1, NM_001385879.1, NM_001385882.1); c.1070G>A, p.Arg357Gln (NM_001385880.1, NM_001385881.1, NM_001385883.1 and 2 more transcripts); c.1010G>A, p.Arg337Gln (NM_001385885.1); c.989G>A, p.Arg330Gln (NM_001385886.1, NM_001385887.1, NM_001385888.1); and 14 more; short protein forms R239Q, R364Q, R369Q, R264Q, R271Q, R325Q, R357Q, R146Q.
Identifiers: ClinVar variation 938299 (VCV000938299.10), dbSNP rs371277197, ClinGen allele CA5635468.

ClinVar aggregate classification (germline): Uncertain significance. Review status: criteria provided, multiple submitters, no conflicts (2 of 4 stars). 2 submissions from 2 submitters: Uncertain significance (2). Last evaluated 2026-01-19.

Conditions:
Spastic paraplegia. Identifiers: MedGen C0037772, HP:0001258.

Allele frequency attached by ClinVar (database versions not stated): ExAC 0.00003; gnomAD exomes 0.00003 and 0.00004; TOPMed 0.00004; gnomAD 0.00005; ESP Exome Variant Server 0.00008.
gnomAD v4.1: 64 of 1,613,664 alleles (0.004%); highest among the groups gnomAD compares: Non-Finnish European, 0.0051%; no homozygotes.

Submissions (2):

Labcorp Genetics (formerly Invitae), Labcorp
Classification: Uncertain significance for Spastic paraplegia. Last evaluated: 2026-01-19. Review status: criteria provided, single submitter. Criteria: Invitae Variant Classification Sherloc (09022015). Collection method: clinical testing. Allele origin: germline.
Comment: This sequence change replaces arginine, which is basic and polar, with glutamine, which is neutral and polar, at codon 369 of the ZFYVE27 protein (p.Arg369Gln). This variant is present in population databases (rs371277197, gnomAD 0.006%). This variant has not been reported in the literature in individuals affected with ZFYVE27-related conditions. ClinVar contains an entry for this variant (Variation ID: 938299). An algorithm developed to predict the effect of missense changes on protein structure and function (PolyPhen-2) suggests that this variant is likely to be disruptive. Algorithms developed to predict the effect of sequence changes on RNA splicing suggest that this variant may create or strengthen a splice site. In summary, the available evidence is currently insufficient to determine the role of this variant in disease. Therefore, it has been classified as a Variant of Uncertain Significance.

Women's Health and Genetics/Laboratory Corporation of America, LabCorp
Classification: Uncertain significance. Last evaluated: 2024-10-04. Review status: criteria provided, single submitter. Criteria: LabCorp Variant Classification Summary - May 2015. Collection method: clinical testing. Allele origin: germline.
Comment: Variant summary: ZFYVE27 c.1106G>A (p.Arg369Gln) results in a conservative amino acid change located in the FYVE zinc finger domain (IPR000306) of the encoded protein sequence. Three of five in-silico tools predict a benign effect of the variant on protein function. The variant is also within the exonic splice region of Intron 12. Several computational tools predict a significant impact on normal splicing: Three predict the variant creates a cryptic 3' acceptor site. Two predict the variant weakens the canonical 3' acceptor site. One predict the variant abolishes the canonical 3' acceptor site. However, these predictions have yet to be confirmed by functional studies. The variant allele was found at a frequency of 2.8e-05 in 251458 control chromosomes, predominantly at a frequency of 6.2e-05 within the Non-Finnish European subpopulation in the gnomAD database. The available data on variant occurrences in the general population are insufficient to allow any conclusion about variant significance. To our knowledge, no occurrence of c.1106G>A in individuals affected with Hereditary Spastic Paraplegia 33 and no experimental evidence demonstrating its impact on protein function have been reported. ClinVar contains an entry for this variant (Variation ID: 938299). Based on the evidence outlined above, the variant was classified as uncertain significance.